The following is an entry in ClinVar:

ClinVar aggregate classification (germline): Uncertain significance. Review status: criteria provided, single submitter (1 of 4 stars). 2 submissions from 2 submitters: Uncertain significance (1). 1 of the submissions does not count toward it. Last evaluated 2021-08-28.

Conditions:
Nemaline myopathy 2 (NEM2). Also called: Nemaline myopathy 2, autosomal recessive. Identifiers: MedGen C1850569, MONDO:0009725, OMIM 256030.

Allele frequency attached by ClinVar (database versions not stated): gnomAD 0.00001; TOPMed 0.00002.
gnomAD v4.1: 5 of 1,612,402 alleles (0.00031%); highest among the groups gnomAD compares: Non-Finnish European, 0.00034%; no homozygotes.

Submissions (2):

Labcorp Genetics (formerly Invitae), Labcorp
Classification: Uncertain significance for Nemaline myopathy 2. Last evaluated: 2021-08-28. Review status: criteria provided, single submitter. Criteria: Invitae Variant Classification Sherloc (09022015). Collection method: clinical testing. Allele origin: germline.
Comment: This sequence change replaces aspartic acid with glutamic acid at codon 632 of the NEB protein (p.Asp632Glu). The aspartic acid residue is moderately conserved and there is a small physicochemical difference between aspartic acid and glutamic acid. This variant is not present in population databases (ExAC no frequency). This variant has not been reported in the literature in individuals affected with NEB-related conditions. Algorithms developed to predict the effect of missense changes on protein structure and function are either unavailable or do not agree on the potential impact of this missense change (SIFT: "Deleterious"; PolyPhen-2: "Not Available"; Align-GVGD: "Class C0"). In summary, the available evidence is currently insufficient to determine the role of this variant in disease. Therefore, it has been classified as a Variant of Uncertain Significance.

Natera, Inc.
Classification: Uncertain significance for Nemaline myopathy type 2. Last evaluated: 2021-07-28. Review status: no assertion criteria provided. Collection method: clinical testing. Allele origin: germline. Not counted in ClinVar's aggregate classification.

NM_001164508.2(NEB):c.1896T>A (p.Asp632Glu)

Gene: NEB (nebulin; minus strand). Cytogenetic location: 2q23.3.
Variant type: single nucleotide variant.
Coding change: c.1896T>A on transcript NM_001164508.2 (MANE Select); coding-DNA position 1896, T replaced by A.
Protein change: p.Asp632Glu; replaces aspartic acid 632 with glutamic acid.
Molecular consequence: missense variant.
Genome position (GRCh38, 1-based): chr2:151,694,323, A>T on the plus strand (T>A on the coding strand, the complement: NEB is on the minus strand). VCF-style: chr2-151694323-A-T. GRCh37 (hg19) VCF-style: chr2-152550837-A-T.
Other names: c.1896T>A, p.Asp632Glu (NM_001164507.2, NM_001271208.2, NM_004543.5); short protein forms D632E.
Identifiers: ClinVar variation 574881 (VCV000574881.7), dbSNP rs978952705, ClinGen allele CA57674493.